The following is an entry in ClinVar:

ClinVar aggregate classification (germline): Conflicting classifications of pathogenicity. Review status: criteria provided, conflicting classifications (1 of 4 stars). 4 submissions from 4 submitters: Uncertain significance (2); Likely benign (1). 1 of the submissions does not count toward it. Last evaluated 2025-11-15.

Conditions:
PRDM5-related disorder. Also called: PRDM5-related condition.
Brittle cornea syndrome 2 (BCS2). Identifiers: Orphanet 90354, MedGen C3280011, MONDO:0013605, OMIM 614170.

Allele frequency attached by ClinVar (database versions not stated): gnomAD 0.00001 and 0.00002; gnomAD exomes 0.00002 and 0.00003; TOPMed 0.00002; ExAC 0.00003.
gnomAD v4.1: 37 of 1,611,646 alleles (0.0023%); highest among the groups gnomAD compares: Middle Eastern, 0.016%; no homozygotes.

Submissions (4):

Labcorp Genetics (formerly Invitae), Labcorp
Classification: Likely benign. Last evaluated: 2025-11-15. Review status: criteria provided, single submitter. Criteria: Invitae Variant Classification Sherloc (09022015). Collection method: clinical testing. Allele origin: germline.

Department of Pathology and Laboratory Medicine, Sinai Health System
Classification: Uncertain significance for Brittle cornea syndrome 2. Last evaluated: 2022-12-30. Review status: criteria provided, single submitter. Criteria: ACMG Guidelines, 2015. Collection method: research. Allele origin: germline.

Illumina Laboratory Services, Illumina
Classification: Uncertain significance for Brittle cornea syndrome 2. Last evaluated: 2018-01-13. Review status: criteria provided, single submitter. Criteria: ICSL Variant Classification Criteria 13 December 2019. Collection method: clinical testing. Allele origin: germline.

PreventionGenetics, part of Exact Sciences
Classification: Likely benign for PRDM5-related condition. Last evaluated: 2023-04-10. Review status: no assertion criteria provided. Collection method: clinical testing. Allele origin: germline. Not counted in ClinVar's aggregate classification.
Comment: This variant is classified as likely benign based on ACMG/AMP sequence variant interpretation guidelines (Richards et al. 2015 PMID: 25741868, with internal and published modifications).

NM_018699.4(PRDM5):c.650+7A>G

Gene: PRDM5 (PR/SET domain 5; minus strand). Cytogenetic location: 4q27.
Variant type: single nucleotide variant.
Coding change: c.650+7A>G on transcript NM_018699.4 (MANE Select); 7 bases into the intron after coding-DNA position 650, A replaced by G.
Molecular consequence: intron variant.
Genome position (GRCh38, 1-based): chr4:120,818,346, T>C on the plus strand (A>G on the coding strand, the complement: PRDM5 is on the minus strand). VCF-style: chr4-120818346-T-C. GRCh37 (hg19) VCF-style: chr4-121739501-T-C.
Other names: c.650+7A>G (NM_018699.3, NM_001300824.2, NM_001379106.1 and 2 more transcripts).
Identifiers: ClinVar variation 900904 (VCV000900904.14), dbSNP rs751182540, ClinGen allele CA3061345.
Genomic context (GRCh38, chr4:120,818,346, plus strand): 5'-GAGTTAAGCTGAATGGAATAAACTGTGTTAGCTTATAATTTTAAAGATATTTCTTTAATA[T>C]ACGCACTGTCTTTGCAAAGCCTGCTTAACTGGGAATTTCTTCCCACAGTTCTTGCACTTA-3'